The following is an entry in ClinVar:

NM_000334.4(SCN4A):c.4564T>G (p.Phe1522Val)

Genes: GH-LCR (growth hormone locus control region; plus strand), SCN4A (sodium voltage-gated channel alpha subunit 4; minus strand). Cytogenetic location: 17q23.3.
Variant type: single nucleotide variant.
Coding change: c.4564T>G on transcript NM_000334.4 (MANE Select); coding-DNA position 4564, T replaced by G.
Protein change: p.Phe1522Val; replaces phenylalanine 1522 with valine.
Molecular consequence: missense variant.
Genome position (GRCh38, 1-based): chr17:63,941,718, A>C on the plus strand (T>G on the coding strand, the complement: SCN4A is on the minus strand). VCF-style: chr17-63941718-A-C. GRCh37 (hg19) VCF-style: chr17-62019078-A-C.
Other names: short protein forms F1522V.
Identifiers: ClinVar variation 1940557 (VCV001940557.5), dbSNP rs1908540361, ClinGen allele CA400615741.

ClinVar aggregate classification (germline): Uncertain significance (1 of 4 stars; one submission).

Conditions:
Hyperkalemic periodic paralysis. Also called: Familial hyperkalemic periodic paralysis; Gamstorp disease. Identifiers: Orphanet 682, MedGen C0238357, MONDO:0008224, OMIM 170500, HP:0007215.

Allele frequency attached by ClinVar (database versions not stated): TOPMed below 0.00001.

Submission:

Labcorp Genetics (formerly Invitae), Labcorp
Classification: Uncertain significance for Hyperkalemic periodic paralysis. Last evaluated: 2022-10-23. Review status: criteria provided, single submitter. Criteria: Invitae Variant Classification Sherloc (09022015). Collection method: clinical testing. Allele origin: germline.
Comment: This variant is not present in population databases (gnomAD no frequency). This variant has not been reported in the literature in individuals affected with SCN4A-related conditions. Advanced modeling of protein sequence and biophysical properties (such as structural, functional, and spatial information, amino acid conservation, physicochemical variation, residue mobility, and thermodynamic stability) performed at Invitae indicates that this missense variant is expected to disrupt SCN4A protein function. In summary, the available evidence is currently insufficient to determine the role of this variant in disease. Therefore, it has been classified as a Variant of Uncertain Significance. This sequence change replaces phenylalanine, which is neutral and non-polar, with valine, which is neutral and non-polar, at codon 1522 of the SCN4A protein (p.Phe1522Val).